The following is an entry in ClinVar:

NM_001033855.3(DCLRE1C):c.1888A>G (p.Ile630Val)

Gene: DCLRE1C (DNA cross-link repair 1C; minus strand). Cytogenetic location: 10p13.
Variant type: single nucleotide variant.
Coding change: c.1888A>G on transcript NM_001033855.3 (MANE Select); coding-DNA position 1888, A replaced by G.
Protein change: p.Ile630Val; replaces isoleucine 630 with valine.
Molecular consequence: missense variant. On other transcripts: non-coding transcript variant (3), intron variant (3).
Genome position (GRCh38, 1-based): chr10:14,908,599, T>C on the plus strand (A>G on the coding strand, the complement: DCLRE1C is on the minus strand). VCF-style: chr10-14908599-T-C. GRCh37 (hg19) VCF-style: chr10-14950598-T-C.
Other names: c.1528A>G, p.Ile510Val (NM_001033857.3, NM_001033858.3, NM_001289077.2 and 1 more transcripts); c.1543A>G, p.Ile515Val (NM_001289076.2, NM_001289078.2, NM_022487.4); c.1437+106A>G (NM_001350966.2); c.1782+106A>G (NM_001350965.2); c.1422+106A>G (NM_001350967.2); short protein forms I630V, I510V, I515V.
Identifiers: ClinVar variation 1504278 (VCV001504278.6), dbSNP rs2131770710, ClinGen allele CA376074344.
Genomic context (GRCh38, chr10:14,908,599, plus strand): 5'-CAGAAGAGCTCTGGGAATCTGCATTTGTGCTAAGATTTAGCAAACTTTTTTCCTCGGGTA[T>C]ATGTGTCTCACTGCTTAGAGTAGTTGGTTCTCCAGTACTAGGAACTATTGTCACATCTTT-3'
Protein context (NP_001029027.1, residues 620-640): EPTTLSSETH[Ile630Val]PEEKSLLNLS

ClinVar aggregate classification (germline): Uncertain significance (1 of 4 stars; one submission).

Conditions:
Severe combined immunodeficiency due to DCLRE1C deficiency (RS-SCID). Also called: SCID, AUTOSOMAL RECESSIVE, T CELL-NEGATIVE, B CELL-NEGATIVE, NK CELL-POSITIVE, WITH SENSITIVITY TO IONIZING RADIATION. Identifiers: Orphanet 275, MedGen C1865371, MONDO:0011225, OMIM 602450.

Allele frequency attached by ClinVar (database versions not stated): gnomAD exomes below 0.00001.
gnomAD v4.1: 2 of 1,614,208 alleles (0.00012%); highest among the groups gnomAD compares: African/African-American, 0.0013%; no homozygotes.

Submission:

Labcorp Genetics (formerly Invitae), Labcorp
Classification: Uncertain significance for Athabaskan severe combined immunodeficiency. Last evaluated: 2025-03-18. Review status: criteria provided, single submitter. Criteria: Invitae Variant Classification Sherloc (09022015). Collection method: clinical testing. Allele origin: germline.
Comment: This sequence change replaces isoleucine, which is neutral and non-polar, with valine, which is neutral and non-polar, at codon 630 of the DCLRE1C protein (p.Ile630Val). This variant is not present in population databases (gnomAD no frequency). This variant has not been reported in the literature in individuals affected with DCLRE1C-related conditions. ClinVar contains an entry for this variant (Variation ID: 1504278). An algorithm developed to predict the effect of missense changes on protein structure and function (PolyPhen-2) suggests that this variant is likely to be tolerated. In summary, the available evidence is currently insufficient to determine the role of this variant in disease. Therefore, it has been classified as a Variant of Uncertain Significance.